The following is an entry in ClinVar:

NM_024426.6(WT1):c.312_316dup (p.Gln106fs)

Genes: WT1 (WT1 transcription factor; minus strand), LOC107982234 (WT1/WT1-AS bi-directional promoter region; plus strand). Cytogenetic location: 11p13.
Variant type: Microsatellite.
Coding change: c.312_316dup on transcript NM_024426.6 (MANE Select); coding-DNA positions 312 to 316, 5 bases duplicated (GGCGC; older notation c.312_316dupGGCGC).
Protein change: p.Gln106fs; shifts the reading frame from glutamine 106.
Molecular consequence: frameshift variant. On other transcripts: non-coding transcript variant (2).
Genome position (GRCh38, 1-based): chr11:32,435,045-32,435,049, GCGCC duplicated on the plus strand (GGCGC on the coding strand, the reverse complement: WT1 is on the minus strand); duplicating any 5 consecutive bases within chr11:32,435,045-32,435,056 gives the same sequence; the c. name uses the placement nearest the transcript's 3' end. VCF-style (leftmost placement, unchanged base first): chr11-32435044-T-TGCGCC. GRCh37 (hg19) VCF-style: chr11-32456590-T-TGCGCC.
Other names: c.312_316dup, p.Gln106fs (NM_001407050.1, NM_024424.5, NM_000378.6 and 6 more transcripts); c.93_97dup, p.Gln33fs (NM_001429031.1, NM_001429032.1, NM_001429033.1 and 1 more transcripts); short protein forms Q106fs, Q33fs.
Identifiers: ClinVar variation 5039965 (VCV005039965.1).
Genomic context (GRCh38, chr11:32,435,044, plus strand): 5'-CCGCCCAACGACCCGTAAGCCGAAGCGCCCGGGGGCGCAAAGTCCAGCACCGGCGCCCAC[T>TGCGCC]GCGCCGCGCCGCTCACAGGCAGGGCACAGCCGCCGCCGCCACCCAGGGAGGGGACGGCGG-3'

ClinVar aggregate classification (germline): Pathogenic (1 of 4 stars; one submission).

Submission:

CeGaT Center for Human Genetics Tuebingen
Classification: Pathogenic. Last evaluated: 2026-06-01. Review status: criteria provided, single submitter. Criteria: CeGaT Center For Human Genetics Tuebingen Variant Classification Criteria Version 2. Collection method: clinical testing. Allele origin: germline. Affected: yes. Observed: 1 variant allele.
Comment: WT1: PVS1, PM2